The following is an entry in ClinVar:

ClinVar aggregate classification (germline): Uncertain significance (1 of 4 stars; one submission).

Conditions:
Inborn genetic diseases. Identifiers: MedGen C0950123, MeSH D030342.

Submission:

Ambry Genetics
Classification: Uncertain significance for Inborn genetic diseases. Last evaluated: 2025-03-28. Review status: criteria provided, single submitter. Criteria: Ambry Variant Classification Scheme 2023. Collection method: clinical testing. Allele origin: germline.
Comment: The p.V1405I variant (also known as c.4213G>A), located in coding exon 13 of the ASXL1 gene, results from a G to A substitution at nucleotide position 4213. The valine at codon 1405 is replaced by isoleucine, an amino acid with highly similar properties. This amino acid position is conserved. In addition, this alteration is predicted to be tolerated by in silico analysis. Based on the available evidence, the clinical significance of this variant remains unclear.

NM_015338.6(ASXL1):c.4213G>A (p.Val1405Ile)

Gene: ASXL1 (ASXL transcriptional regulator 1; plus strand). Cytogenetic location: 20q11.21.
Variant type: single nucleotide variant.
Coding change: c.4213G>A on transcript NM_015338.6 (MANE Select); coding-DNA position 4213, G replaced by A.
Protein change: p.Val1405Ile; replaces valine 1405 with isoleucine.
Molecular consequence: missense variant.
Genome position (GRCh38, 1-based): chr20:32,436,925, G>A. VCF-style: chr20-32436925-G-A. GRCh37 (hg19) VCF-style: chr20-31024728-G-A.
Other names: c.4030G>A, p.Val1344Ile (NM_001363734.1); short protein forms V1344I, V1405I.
Identifiers: ClinVar variation 3955319 (VCV003955319.1).
Genomic context (GRCh38, chr20:32,436,925, plus strand): 5'-AGGAAAGCTACTGGGCATAGTCCCCTGGAACTGGTGGGTCACTTGGAAGGGATGCCCTTT[G>A]TCATGGACTTGCCCTTCTGGAAATTACCCCGAGAGCCAGGGAAGGGGCTCAGTGAGCCTC-3'
Protein context (NP_056153.2, residues 1395-1415): LVGHLEGMPF[Val1405Ile]MDLPFWKLPR